The following is an entry in ClinVar:

ClinVar aggregate classification (germline): Uncertain significance (1 of 4 stars; one submission).

Conditions:
Inborn genetic diseases. Identifiers: MedGen C0950123, MeSH D030342.

Submission:

Ambry Genetics
Classification: Uncertain significance for Inborn genetic diseases. Last evaluated: 2026-08-11. Review status: criteria provided, single submitter. Criteria: Ambry Variant Classification Scheme 2023. Collection method: clinical testing. Allele origin: germline.
Comment: The p.H955R variant (also known as c.2864A>G), located in coding exon 30 of the FANCA gene, results from an A to G substitution at nucleotide position 2864. The histidine at codon 955 is replaced by arginine, an amino acid with highly similar properties. This amino acid position is conserved. In addition, the in silico prediction for this alteration is inconclusive. Based on the available evidence, the clinical significance of this variant remains unclear.

NM_000135.4(FANCA):c.2864A>G (p.His955Arg)

Gene: FANCA (FA complementation group A; minus strand). Cytogenetic location: 16q24.3.
Variant type: single nucleotide variant.
Coding change: c.2864A>G on transcript NM_000135.4 (MANE Select); coding-DNA position 2864, A replaced by G.
Protein change: p.His955Arg; replaces histidine 955 with arginine.
Molecular consequence: missense variant.
Genome position (GRCh38, 1-based): chr16:89,758,694, T>C on the plus strand (A>G on the coding strand, the complement: FANCA is on the minus strand). VCF-style: chr16-89758694-T-C. GRCh37 (hg19) VCF-style: chr16-89825102-T-C.
Other names: c.2864A>G, p.His955Arg (NM_001286167.3); short protein forms H955R.
Identifiers: ClinVar variation 5036407 (VCV005036407.1).